The following is an entry in ClinVar:

NM_001035.3(RYR2):c.11384G>C (p.Gly3795Ala)

Gene: RYR2 (ryanodine receptor 2; plus strand). Cytogenetic location: 1q43.
Variant type: single nucleotide variant.
Coding change: c.11384G>C on transcript NM_001035.3 (MANE Select); coding-DNA position 11384, G replaced by C.
Protein change: p.Gly3795Ala; replaces glycine 3795 with alanine.
Molecular consequence: missense variant.
Genome position (GRCh38, 1-based): chr1:237,759,834, G>C. VCF-style: chr1-237759834-G-C. GRCh37 (hg19) VCF-style: chr1-237923134-G-C.
Other names: short protein forms G3795A.
Identifiers: ClinVar variation 3072145 (VCV003072145.1), dbSNP rs2527445670, ClinGen allele CA345428898.

ClinVar aggregate classification (germline): Uncertain significance (1 of 4 stars; one submission).

Conditions:
Catecholaminergic polymorphic ventricular tachycardia (CVPT). Also called: Catecholamine-induced polymorphic ventricular tachycardia. Identifiers: Orphanet 3286, MedGen C5574922, MONDO:0017990.

Submission:

All of Us Research Program, National Institutes of Health
Classification: Uncertain significance for Catecholaminergic polymorphic ventricular tachycardia. Last evaluated: 2023-06-26. Review status: criteria provided, single submitter. Criteria: ACMG Guidelines, 2015. Collection method: clinical testing. Allele origin: germline. Inheritance: Autosomal dominant inheritance. Observed: 1 variant allele, 1 heterozygote.
Comment: This missense variant replaces glycine with alanine at codon 3795 of the RYR2 protein. Computational prediction is inconclusive regarding the impact of this variant on protein structure and function (internally defined REVEL score threshold 0.5 < inconclusive < 0.7, PMID: 27666373). To our knowledge, functional studies have not been reported for this variant. This variant has not been reported in individuals affected with RYR2-related disorders in the literature. This variant has not been identified in the general population by the Genome Aggregation Database (gnomAD). The available evidence is insufficient to determine the role of this variant in disease conclusively. Therefore, this variant is classified as a Variant of Uncertain Significance.

This study involves interpretation of variants in research participants for the purpose of population health screening. Participant phenotype was not available at the time of variant classification. Additional details can be found in publication PMID: 35346344, PMCID: PMC8962531